The following is an entry in ClinVar:

ClinVar aggregate classification (germline): Likely pathogenic (1 of 4 stars; one submission).

Conditions:
ALG12-congenital disorder of glycosylation (CDG1G). Also called: Congenital disorder of glycosylation, type Ig; CDG Ig; ALG12-CDG. Identifiers: Orphanet 79324, MedGen C2931001, MONDO:0011783, OMIM 607143.

gnomAD v4.1: 3 of 1,614,218 alleles (0.00019%); highest among the groups gnomAD compares: Non-Finnish European, 0.00025%; no homozygotes.

Submission:

Labcorp Genetics (formerly Invitae), Labcorp
Classification: Likely pathogenic for ALG12-congenital disorder of glycosylation. Last evaluated: 2024-02-23. Review status: criteria provided, single submitter. Criteria: Invitae Variant Classification Sherloc (09022015). Collection method: clinical testing. Allele origin: germline.
Comment: This sequence change affects a donor splice site in intron 8 of the ALG12 gene. It is expected to disrupt RNA splicing. Variants that disrupt the donor or acceptor splice site typically lead to a loss of protein function (PMID: 16199547), and loss-of-function variants in ALG12 are known to be pathogenic (PMID: 15639192, 31481313). This variant is not present in population databases (gnomAD no frequency). This variant has not been reported in the literature in individuals affected with ALG12-related conditions. Algorithms developed to predict the effect of sequence changes on RNA splicing suggest that this variant may disrupt the consensus splice site. In summary, the currently available evidence indicates that the variant is pathogenic, but additional data are needed to prove that conclusively. Therefore, this variant has been classified as Likely Pathogenic.

Literature cited by the submitters: PubMed 16199547; PubMed 15639192; PubMed 31481313.

NM_024105.4(ALG12):c.1162+1G>A

Gene: ALG12 (ALG12 alpha-1,6-mannosyltransferase; minus strand). Cytogenetic location: 22q13.33.
Variant type: single nucleotide variant.
Coding change: c.1162+1G>A on transcript NM_024105.4 (MANE Select); the canonical splice donor site of the intron after coding-DNA position 1162, G replaced by A.
Molecular consequence: splice donor variant.
Genome position (GRCh38, 1-based): chr22:49,904,336, C>T on the plus strand (G>A on the coding strand, the complement: ALG12 is on the minus strand). VCF-style: chr22-49904336-C-T. GRCh37 (hg19) VCF-style: chr22-50297984-C-T.
Identifiers: ClinVar variation 3642872 (VCV003642872.2).